The following is an entry in ClinVar:

ClinVar aggregate classification (germline): Uncertain significance. Review status: criteria provided, multiple submitters, no conflicts (2 of 4 stars). 2 submissions from 2 submitters: Uncertain significance (2). Last evaluated 2025-06-23.

Conditions:
Hereditary cancer-predisposing syndrome. Also called: Neoplastic Syndromes, Hereditary; Tumor predisposition; Hereditary Cancer Syndrome; Hereditary neoplastic syndrome. Identifiers: Orphanet 140162, MedGen C0027672, MeSH D009386, MONDO:0015356.
Retinoblastoma (RB1). Also called: RETINOBLASTOMA, SOMATIC. Identifiers: Orphanet 790, MedGen C0035335, MeSH D012175, MONDO:0008380, OMIM 180200, HP:0009919. Disease mechanism: loss of function. Inheritance: Both sporadic and heritable forms are tested..

Submissions (2):

Ambry Genetics
Classification: Uncertain significance for Hereditary cancer-predisposing syndrome. Last evaluated: 2025-06-23. Review status: criteria provided, single submitter. Criteria: Ambry Variant Classification Scheme 2023. Collection method: clinical testing. Allele origin: germline.
Comment: The p.K722R variant (also known as c.2165A>G), located in coding exon 21 of the RB1 gene, results from an A to G substitution at nucleotide position 2165. The lysine at codon 722 is replaced by arginine, an amino acid with highly similar properties. This amino acid position is highly conserved in available vertebrate species. In addition, the in silico prediction for this alteration is inconclusive. Since supporting evidence is limited at this time, the clinical significance of this alteration remains unclear.

Labcorp Genetics (formerly Invitae), Labcorp
Classification: Uncertain significance for Retinoblastoma. Last evaluated: 2024-08-08. Review status: criteria provided, single submitter. Criteria: Invitae Variant Classification Sherloc (09022015). Collection method: clinical testing. Allele origin: germline.
Comment: This sequence change replaces lysine, which is basic and polar, with arginine, which is basic and polar, at codon 722 of the RB1 protein (p.Lys722Arg). This variant is not present in population databases (gnomAD no frequency). This variant has not been reported in the literature in individuals affected with RB1-related conditions. ClinVar contains an entry for this variant (Variation ID: 1786969). Advanced modeling of protein sequence and biophysical properties (such as structural, functional, and spatial information, amino acid conservation, physicochemical variation, residue mobility, and thermodynamic stability) has been performed at Invitae for this missense variant, however the output from this modeling did not meet the statistical confidence thresholds required to predict the impact of this variant on RB1 protein function. In summary, the available evidence is currently insufficient to determine the role of this variant in disease. Therefore, it has been classified as a Variant of Uncertain Significance.

NM_000321.3(RB1):c.2165A>G (p.Lys722Arg)

Gene: RB1 (RB transcriptional corepressor 1; plus strand). Cytogenetic location: 13q14.2.
Variant type: single nucleotide variant.
Coding change: c.2165A>G on transcript NM_000321.3 (MANE Select); coding-DNA position 2165, A replaced by G.
Protein change: p.Lys722Arg; replaces lysine 722 with arginine.
Molecular consequence: missense variant.
Genome position (GRCh38, 1-based): chr13:48,463,789, A>G. VCF-style: chr13-48463789-A-G. GRCh37 (hg19) VCF-style: chr13-49037925-A-G.
Other names: c.2165A>G, p.Lys722Arg (NM_001407165.1); short protein forms K722R.
Identifiers: ClinVar variation 1786969 (VCV001786969.7), dbSNP rs2542373674, ClinGen allele CA388167139.